The following is an entry in ClinVar:

ClinVar aggregate classification (germline): Benign/Likely benign. Review status: criteria provided, multiple submitters, no conflicts (2 of 4 stars). 4 submissions from 4 submitters: Benign (1); Likely benign (3). Last evaluated 2025-10-27.

Allele frequency attached by ClinVar (database versions not stated): TOPMed 0.00006; ESP Exome Variant Server 0.00008; gnomAD 0.00010; 1000 Genomes Project 0.00020; 1000 Genomes Project 30x 0.00031.

Submissions (4):

Labcorp Genetics (formerly Invitae), Labcorp
Classification: Likely benign. Last evaluated: 2025-10-27. Review status: criteria provided, single submitter. Criteria: Invitae Variant Classification Sherloc (09022015). Collection method: clinical testing. Allele origin: germline.

CeGaT Center for Human Genetics Tuebingen
Classification: Likely benign. Last evaluated: 2024-05-01. Review status: criteria provided, single submitter. Criteria: CeGaT Center For Human Genetics Tuebingen Variant Classification Criteria Version 2. Collection method: clinical testing. Allele origin: germline. Affected: yes. Observed: 3 variant alleles.
Comment: ABRAXAS1: BP4, BP7

Ambry Genetics
Classification: Likely benign. Last evaluated: 2022-02-23. Review status: criteria provided, single submitter. Criteria: Ambry Variant Classification Scheme 2023. Collection method: clinical testing. Allele origin: germline.

Women's Health and Genetics/Laboratory Corporation of America, LabCorp
Classification: Benign. Last evaluated: 2018-04-06. Review status: criteria provided, single submitter. Criteria: LabCorp Variant Classification Summary - May 2015. Collection method: clinical testing. Allele origin: germline.
Comment: Variant summary: FAM175A c.381C>T alters a non-conserved nucleotide resulting in a synonymous change. 5/5 computational tools predict no significant impact on normal splicing. However, these predictions have yet to be confirmed by functional studies. The observed variant frequency within Non-Finnish European control individuals in the gnomAD database is approximately 4.16 fold above the estimated maximal expected allele frequency for a pathogenic variant in FAM175A causing Hereditary Breast and Ovarian Cancer phenotype (3.1e-05), strongly suggesting that the variant is a benign polymorphism found primarily in populations of Non-Finnish European origin. To our knowledge, no occurrence of c.381C>T in individuals affected with Hereditary Breast and Ovarian Cancer and no experimental evidence demonstrating its impact on protein function have been reported. One clinical diagnostic laboratory has submitted clinical-significance assessments for this variant to ClinVar after 2014 without evidence for independent evaluation. One laboratory classified the variant as likely benign. Based on the evidence outlined above, the variant was classified as benign.

NM_139076.3(ABRAXAS1):c.381C>T (p.Asn127=)

Gene: ABRAXAS1 (abraxas 1, BRCA1 A complex subunit; minus strand). Cytogenetic location: 4q21.23.
Variant type: single nucleotide variant.
Coding change: c.381C>T on transcript NM_139076.3 (MANE Select); coding-DNA position 381, C replaced by T.
Protein change: p.Asn127=; no amino-acid change (asparagine 127 retained).
Molecular consequence: synonymous variant.
Genome position (GRCh38, 1-based): chr4:83,470,298, G>A on the plus strand (C>T on the coding strand, the complement: ABRAXAS1 is on the minus strand). VCF-style: chr4-83470298-G-A. GRCh37 (hg19) VCF-style: chr4-84391451-G-A.
Other names: c.54C>T, p.Asn18= (NM_001345962.2).
Identifiers: ClinVar variation 416712 (VCV000416712.38), dbSNP rs201470211, ClinGen allele CA2990564.